The following is an entry in ClinVar:

NM_001370259.2(MEN1):c.1624G>A (p.Ala542Thr)

Gene: MEN1 (menin 1; minus strand). Cytogenetic location: 11q13.1.
Variant type: single nucleotide variant.
Coding change: c.1624G>A on transcript NM_001370259.2 (MANE Select); coding-DNA position 1624, G replaced by A.
Protein change: p.Ala542Thr; replaces alanine 542 with threonine.
Molecular consequence: missense variant. On other transcripts: non-coding transcript variant (4).
Genome position (GRCh38, 1-based): chr11:64,804,543, C>T on the plus strand (G>A on the coding strand, the complement: MEN1 is on the minus strand). VCF-style: chr11-64804543-C-T. GRCh37 (hg19) VCF-style: chr11-64572015-C-T.
Other names: c.1639G>A, p.Ala547Thr (NM_000244.4, NM_001407145.1, NM_130800.3 and 4 more transcripts); c.1750G>A, p.Ala584Thr (NM_001370251.2, NM_001407143.1, NM_001407144.1 and 1 more transcripts); c.1624G>A, p.Ala542Thr (NM_001407146.1, NM_001407147.1, NM_001370260.2 and 2 more transcripts); c.1519G>A, p.Ala507Thr (NM_001407148.1, NM_001407149.1, NM_001370262.2 and 1 more transcripts); c.1765G>A, p.Ala589Thr (NM_001407150.1); c.1645G>A, p.Ala549Thr (NM_001407151.1); c.1459G>A, p.Ala487Thr (NM_001407152.1); short protein forms A487T, A542T, A589T, A549T, A584T, A507T, A547T.
Identifiers: ClinVar variation 4053788 (VCV004053788.1).

ClinVar aggregate classification (germline): Uncertain significance (1 of 4 stars; one submission).

Conditions:
Hereditary cancer-predisposing syndrome. Also called: Neoplastic Syndromes, Hereditary; Tumor predisposition; Hereditary neoplastic syndrome; Hereditary Cancer Syndrome. Identifiers: Orphanet 140162, MedGen C0027672, MeSH D009386, MONDO:0015356.

Submission:

Ambry Genetics
Classification: Uncertain significance for Hereditary cancer-predisposing syndrome. Last evaluated: 2025-03-19. Review status: criteria provided, single submitter. Criteria: Ambry Variant Classification Scheme 2023. Collection method: clinical testing. Allele origin: germline.
Comment: The p.A542T variant (also known as c.1624G>A), located in coding exon 9 of the MEN1 gene, results from a G to A substitution at nucleotide position 1624. The alanine at codon 542 is replaced by threonine, an amino acid with similar properties. This amino acid position is conserved. In addition, this alteration is predicted to be tolerated by in silico analysis. Based on the available evidence, the clinical significance of this variant remains unclear.